The following is an entry in ClinVar:

ClinVar aggregate classification (germline): Uncertain significance (1 of 4 stars; one submission).

Allele frequency attached by ClinVar (database versions not stated): gnomAD exomes 0.00001.

Submission:

GeneDx
Classification: Uncertain significance. Last evaluated: 2019-10-18. Review status: criteria provided, single submitter. Criteria: GeneDx Variant Classification (06012015). Collection method: clinical testing. Allele origin: germline. Affected: yes.
Comment: In silico analysis, which includes protein predictors and evolutionary conservation, supports a deleterious effect Has not been previously published as pathogenic or benign to our knowledge

NM_005334.3(HCFC1):c.1537C>G (p.Pro513Ala)

Gene: HCFC1 (host cell factor C1; minus strand). Cytogenetic location: Xq28.
Variant type: single nucleotide variant.
Coding change: c.1537C>G on transcript NM_005334.3 (MANE Select); coding-DNA position 1537, C replaced by G.
Protein change: p.Pro513Ala; replaces proline 513 with alanine.
Molecular consequence: missense variant.
Genome position (GRCh38, 1-based): chrX:153,959,399, G>C on the plus strand (C>G on the coding strand, the complement: HCFC1 is on the minus strand). VCF-style: chrX-153959399-G-C. GRCh37 (hg19) VCF-style: chrX-153224850-G-C.
Other names: short protein forms P513A.
Identifiers: ClinVar variation 1172682 (VCV001172682.1), dbSNP rs1557116071, ClinGen allele CA415139395.